The following is an entry in ClinVar:

NM_006946.4(SPTBN2):c.4899G>A (p.Leu1633=)

Gene: SPTBN2 (spectrin beta, non-erythrocytic 2; minus strand). Cytogenetic location: 11q13.2.
Variant type: single nucleotide variant.
Coding change: c.4899G>A on transcript NM_006946.4 (MANE Select); coding-DNA position 4899, G replaced by A.
Protein change: p.Leu1633=; no amino-acid change (leucine 1633 retained).
Molecular consequence: synonymous variant.
Genome position (GRCh38, 1-based): chr11:66,693,056, C>T on the plus strand (G>A on the coding strand, the complement: SPTBN2 is on the minus strand). VCF-style: chr11-66693056-C-T. GRCh37 (hg19) VCF-style: chr11-66460527-C-T.
Other names: p.Leu1633=; c.4899G>A (NM_006946.3).
Identifiers: ClinVar variation 305553 (VCV000305553.19), dbSNP rs639938, ClinGen allele CA6128438.

ClinVar aggregate classification (germline): Benign/Likely benign. Review status: criteria provided, multiple submitters, no conflicts (2 of 4 stars). 6 submissions from 6 submitters: Benign (4); Likely benign (1). 1 of the submissions does not count toward it. Last evaluated 2026-02-03.

Conditions:
SPTBN2-related disorder. Also called: SPTBN2-related condition.

Allele frequency attached by ClinVar (database versions not stated): ESP Exome Variant Server 0.05027; TOPMed 0.05388; gnomAD exomes 0.05611 and 0.06783; gnomAD 0.06187 and 0.06302; ExAC 0.06945; 1000 Genomes Project 30x 0.07433; 1000 Genomes Project 0.07768.
gnomAD v4.1: 91,568 of 1,613,912 alleles (5.7%); highest among the groups gnomAD compares: East Asian, 11%; 3,203 homozygotes.

Submissions (6):

Labcorp Genetics (formerly Invitae), Labcorp
Classification: Benign. Last evaluated: 2026-02-03. Review status: criteria provided, single submitter. Criteria: Invitae Variant Classification Sherloc (09022015). Collection method: clinical testing. Allele origin: germline.

Mayo Clinic Laboratories, Mayo Clinic
Classification: Benign. Last evaluated: 2022-03-23. Review status: criteria provided, single submitter. Criteria: ACMG Guidelines, 2015. Collection method: clinical testing. Allele origin: germline. Observed: 41 variant alleles.

GeneDx
Classification: Benign. Last evaluated: 2021-04-13. Review status: criteria provided, single submitter. Criteria: GeneDx Variant Classification Process June 2021. Collection method: clinical testing. Allele origin: germline. Affected: yes.

Athena Diagnostics
Classification: Benign. Last evaluated: 2017-07-12. Review status: criteria provided, single submitter. Criteria: Athena Diagnostics Criteria. Collection method: clinical testing. Allele origin: germline.

Breakthrough Genomics
Classification: Likely benign. Review status: criteria provided, single submitter. Criteria: ACMG Guidelines, 2015. Collection method: not provided. Allele origin: germline. Inheritance: Autosomal recessive inheritance. Affected: yes.

PreventionGenetics, part of Exact Sciences
Classification: Benign for SPTBN2-related condition. Last evaluated: 2019-07-08. Review status: no assertion criteria provided. Collection method: clinical testing. Allele origin: germline. Not counted in ClinVar's aggregate classification.
Comment: This variant is classified as benign based on ACMG/AMP sequence variant interpretation guidelines (Richards et al. 2015 PMID: 25741868, with internal and published modifications).